The following is an entry in ClinVar:

NM_017875.4(SLC25A38):c.82A>G (p.Ile28Val)

Gene: SLC25A38 (solute carrier family 25 member 38; plus strand). Cytogenetic location: 3p22.1.
Variant type: single nucleotide variant.
Coding change: c.82A>G on transcript NM_017875.4 (MANE Select); coding-DNA position 82, A replaced by G.
Protein change: p.Ile28Val; replaces isoleucine 28 with valine.
Molecular consequence: missense variant.
Genome position (GRCh38, 1-based): chr3:39,389,507, A>G. VCF-style: chr3-39389507-A-G. GRCh37 (hg19) VCF-style: chr3-39430998-A-G.
Other names: c.82A>G, p.Ile28Val (NM_001354798.2); short protein forms I28V.
Identifiers: ClinVar variation 3372420 (VCV003372420.2).
Genomic context (GRCh38, chr3:39,389,507, plus strand): 5'-AGGCTCACACAGGCAGAGCTACTGACACAATATTGTCTTATCCTGCAGTTACATCCGGTG[A>G]TCAAGGCTTTCCTGTGTGGCTCCATCAGTGGGACCTGCTCTACCCTCCTTTTCCAACCTC-3'
Protein context (NP_060345.2, residues 18-38): TVETLMLHPV[Ile28Val]KAFLCGSISG

ClinVar aggregate classification (germline): Uncertain significance. Review status: criteria provided, multiple submitters, no conflicts (2 of 4 stars). 2 submissions from 2 submitters: Uncertain significance (2). Last evaluated 2024-05-03.

gnomAD v4.1: 13 of 1,614,090 alleles (0.00081%); highest among the groups gnomAD compares: Admixed American, 0.017%; no homozygotes.

Submissions (2):

GeneDx
Classification: Uncertain significance. Last evaluated: 2024-05-03. Review status: criteria provided, single submitter. Criteria: GeneDx Variant Classification Process June 2021. Collection method: clinical testing. Allele origin: germline. Affected: yes.
Comment: In silico analysis indicates that this missense variant does not alter protein structure/function; Has not been previously published as pathogenic or benign to our knowledge

Blueprint Genetics
Classification: Uncertain significance. Last evaluated: 2022-01-06. Review status: criteria provided, single submitter. Criteria: ACMG Guidelines, 2015. Collection method: clinical testing. Allele origin: germline.